The following is an entry in ClinVar:

NM_001330288.2(SMARCC2):c.266C>G (p.Ser89Cys)

Gene: SMARCC2 (SWI/SNF related BAF chromatin remodeling complex subunit C2; minus strand). Cytogenetic location: 12q13.2.
Variant type: single nucleotide variant.
Coding change: c.266C>G on transcript NM_001330288.2 (MANE Select); coding-DNA position 266, C replaced by G.
Protein change: p.Ser89Cys; replaces serine 89 with cysteine.
Molecular consequence: missense variant.
Genome position (GRCh38, 1-based): chr12:56,186,206, G>C on the plus strand (C>G on the coding strand, the complement: SMARCC2 is on the minus strand). VCF-style: chr12-56186206-G-C. GRCh37 (hg19) VCF-style: chr12-56579990-G-C.
Other names: c.266C>G, p.Ser89Cys (NM_001130420.3, NM_003075.5, NM_139067.4); short protein forms S89C.
Identifiers: ClinVar variation 3446112 (VCV003446112.3).
Genomic context (GRCh38, chr12:56,186,206, plus strand): 5'-TCATCTCACCATCCCTGGTCACTCTTGAATTTGTAGGCAGCTGCAAGAATGTGGCACAAG[G>C]AGCCTCCCGCTTTGAAATCTAGGAAACATTTGATCTACAAAATCAAGATACGGAAAAAGC-3'
Protein context (NP_001317217.1, residues 79-99): KCFLDFKAGG[Ser89Cys]LCHILAAAYK

ClinVar aggregate classification (germline): Uncertain significance. Review status: criteria provided, multiple submitters, no conflicts (2 of 4 stars). 2 submissions from 2 submitters: Uncertain significance (2). Last evaluated 2025-04-09.

Conditions:
Inborn genetic diseases. Identifiers: MedGen C0950123, MeSH D030342.

gnomAD v4.1: 6 of 1,613,198 alleles (0.00037%); highest among the groups gnomAD compares: Non-Finnish European, 0.00051%; no homozygotes.

Submissions (2):

Women's Health and Genetics/Laboratory Corporation of America, LabCorp
Classification: Uncertain significance. Last evaluated: 2025-04-09. Review status: criteria provided, single submitter. Criteria: LabCorp Variant Classification Summary - May 2015. Collection method: clinical testing. Allele origin: germline.
Comment: Variant summary: SMARCC2 c.266C>G (p.Ser89Cys) results in a non-conservative amino acid change in the encoded protein sequence. Four of five in-silico tools predict a damaging effect of the variant on protein function. The variant was absent in 251454 control chromosomes. The available data on variant occurrences in the general population are insufficient to allow any conclusion about variant significance. To our knowledge, no occurrence of c.266C>G in individuals affected with Coffin-Siris Syndrome 8 and no experimental evidence demonstrating its impact on protein function have been reported. ClinVar contains an entry for this variant (Variation ID: 3446112). Based on the evidence outlined above, the variant was classified as uncertain significance.

Ambry Genetics
Classification: Uncertain significance for Inborn genetic diseases. Last evaluated: 2024-09-27. Review status: criteria provided, single submitter. Criteria: Ambry Variant Classification Scheme 2023. Collection method: clinical testing. Allele origin: germline.